The following is an entry in ClinVar:

ClinVar aggregate classification (germline): Uncertain significance. Review status: criteria provided, multiple submitters, no conflicts (2 of 4 stars). 2 submissions from 2 submitters: Uncertain significance (2). Last evaluated 2025-10-14.

Allele frequency attached by ClinVar (database versions not stated): ExAC 0.00020; gnomAD 0.00027; gnomAD exomes 0.00035; ESP Exome Variant Server 0.00038; TOPMed 0.00051; 1000 Genomes Project 30x 0.00078; 1000 Genomes Project 0.00080.
gnomAD v4.1: 560 of 1,614,068 alleles (0.035%); highest among the groups gnomAD compares: Non-Finnish European, 0.043%; 1 homozygote.

Submissions (2):

Ambry Genetics
Classification: Uncertain significance. Last evaluated: 2025-10-14. Review status: criteria provided, single submitter. Criteria: Ambry Variant Classification Scheme 2023. Collection method: clinical testing. Allele origin: germline.

Labcorp Genetics (formerly Invitae), Labcorp
Classification: Uncertain significance. Last evaluated: 2023-05-23. Review status: criteria provided, single submitter. Criteria: Invitae Variant Classification Sherloc (09022015). Collection method: clinical testing. Allele origin: germline.
Comment: In summary, the available evidence is currently insufficient to determine the role of this variant in disease. Therefore, it has been classified as a Variant of Uncertain Significance. Algorithms developed to predict the effect of sequence changes on RNA splicing suggest that this variant may create or strengthen a splice site. An algorithm developed to predict the effect of missense changes on protein structure and function (PolyPhen-2) suggests that this variant is likely to be disruptive. ClinVar contains an entry for this variant (Variation ID: 2352607). This variant has not been reported in the literature in individuals affected with STEAP3-related conditions. This variant is present in population databases (rs181208641, gnomAD 0.04%). This sequence change replaces glutamic acid, which is acidic and polar, with lysine, which is basic and polar, at codon 131 of the STEAP3 protein (p.Glu131Lys).

NM_182915.3(STEAP3):c.421G>A (p.Glu141Lys)

Genes: STEAP3 (STEAP3 metalloreductase; plus strand), STEAP3-AS1 (STEAP3 antisense RNA 1; minus strand). Cytogenetic location: 2q14.2.
Variant type: single nucleotide variant.
Coding change: c.421G>A on transcript NM_182915.3 (MANE Select); coding-DNA position 421, G replaced by A.
Protein change: p.Glu141Lys; replaces glutamic acid 141 with lysine.
Molecular consequence: missense variant. On other transcripts: non-coding transcript variant (1).
Genome position (GRCh38, 1-based): chr2:119,245,887, G>A. VCF-style: chr2-119245887-G-A. GRCh37 (hg19) VCF-style: chr2-120003463-G-A.
Other names: c.391G>A, p.Glu131Lys (NM_001008410.2, NM_018234.3, NM_138637.3); short protein forms E141K, E131K.
Identifiers: ClinVar variation 2352607 (VCV002352607.6), dbSNP rs181208641, ClinGen allele CA1846585.